The following is an entry in ClinVar:

ClinVar aggregate classification (germline): Uncertain significance (1 of 4 stars; one submission).

Submission:

Labcorp Genetics (formerly Invitae), Labcorp
Classification: Uncertain significance. Last evaluated: 2025-07-29. Review status: criteria provided, single submitter. Criteria: Invitae Variant Classification Sherloc (09022015). Collection method: clinical testing. Allele origin: germline.
Comment: This sequence change replaces asparagine, which is neutral and polar, with isoleucine, which is neutral and non-polar, at codon 1419 of the WDR62 protein (p.Asn1419Ile). This variant is not present in population databases (gnomAD no frequency). This variant has not been reported in the literature in individuals affected with WDR62-related conditions. An algorithm developed to predict the effect of missense changes on protein structure and function (PolyPhen-2) suggests that this variant is likely to be tolerated. In summary, the available evidence is currently insufficient to determine the role of this variant in disease. Therefore, it has been classified as a Variant of Uncertain Significance.

NM_001083961.2(WDR62):c.4256A>T (p.Asn1419Ile)

Gene: WDR62 (WD repeat domain 62; plus strand). Cytogenetic location: 19q13.12.
Variant type: single nucleotide variant.
Coding change: c.4256A>T on transcript NM_001083961.2 (MANE Select); coding-DNA position 4256, A replaced by T.
Protein change: p.Asn1419Ile; replaces asparagine 1419 with isoleucine.
Molecular consequence: missense variant.
Genome position (GRCh38, 1-based): chr19:36,104,620, A>T. VCF-style: chr19-36104620-A-T. GRCh37 (hg19) VCF-style: chr19-36595522-A-T.
Other names: c.4241A>T, p.Asn1414Ile (NM_001411145.1, NM_173636.5); c.4007A>T, p.Asn1336Ile (NM_001411146.1); c.3905A>T, p.Asn1302Ile (NM_001411147.1); short protein forms N1414I, N1419I, N1302I, N1336I.
Identifiers: ClinVar variation 4704601 (VCV004704601.1).
Genomic context (GRCh38, chr19:36,104,620, plus strand): 5'-AGCCCTGGGTGCCGGTTGAAGCCCTGCCCCCATCTCCCCTTGAGCTGAGCAGGGTGGGGA[A>T]CATCTTGCACAGGCTGCAGACCACCTTCCAAGAAGCCCTCGACCTTTACCGTGTGGTGAG-3'
Protein context (NP_001077430.1, residues 1409-1429): PSPLELSRVG[Asn1419Ile]ILHRLQTTFQ